The following is an entry in ClinVar:

NC_000001.11:g.(?_243415682)_(243415849_?)del

Gene: SDCCAG8 (SHH signaling and ciliogenesis regulator SDCCAG8; plus strand). Cytogenetic location: 1q43.
Variant type: Deletion.
Identifiers: ClinVar variation 831973 (VCV000831973.5).

ClinVar aggregate classification (germline): Pathogenic (1 of 4 stars; one submission).

Conditions:
Bardet-Biedl syndrome 16 (BBS16). Identifiers: Orphanet 110, MedGen C3889474, MONDO:0014444, OMIM 615993.
Senior-Loken syndrome 7 (SLSN7). Identifiers: Orphanet 3156, MedGen C3150877, MONDO:0013326, OMIM 613615.

Submission:

Labcorp Genetics (formerly Invitae), Labcorp
Classification: Pathogenic for Bardet-Biedl syndrome 16; Senior-Loken syndrome 7. Last evaluated: 2019-10-14. Review status: criteria provided, single submitter. Criteria: Invitae Variant Classification Sherloc (09022015). Collection method: clinical testing. Allele origin: germline.
Comment: For these reasons, this variant has been classified as Pathogenic. This variant is an out-of-frame deletion of the genomic region encompassing exons 14 of the SDCCAG8 gene. This is expected to create a premature translational stop signal and result in an absent or disrupted protein product. This variant has not been reported in the literature in individuals with SDCCAG8-related conditions. Loss-of-function variants in SDCCAG8 are known to be pathogenic (PMID: 20835237).

Literature cited by the submitters: PubMed 20835237.